The following is an entry in ClinVar:

NM_000435.3(NOTCH3):c.4914A>G (p.Glu1638=)

Gene: NOTCH3 (notch receptor 3; minus strand). Cytogenetic location: 19p13.12.
Variant type: single nucleotide variant.
Coding change: c.4914A>G on transcript NM_000435.3 (MANE Select); coding-DNA position 4914, A replaced by G.
Protein change: p.Glu1638=; no amino-acid change (glutamic acid 1638 retained).
Molecular consequence: synonymous variant.
Genome position (GRCh38, 1-based): chr19:15,170,531, T>C on the plus strand (A>G on the coding strand, the complement: NOTCH3 is on the minus strand). VCF-style: chr19-15170531-T-C. GRCh37 (hg19) VCF-style: chr19-15281342-T-C.
Identifiers: ClinVar variation 890786 (VCV000890786.16), dbSNP rs149222385, ClinGen allele CA9262780.

ClinVar aggregate classification (germline): Conflicting classifications of pathogenicity. Review status: criteria provided, conflicting classifications (1 of 4 stars). 7 submissions from 7 submitters: Uncertain significance (5); Likely benign (1). 1 of the submissions does not count toward it. Last evaluated 2024-06-12.

Conditions:
Cerebral arteriopathy, autosomal dominant, with subcortical infarcts and leukoencephalopathy, type 1 (CADASIL1). Also called: DEMENTIA, HEREDITARY MULTIINFARCT TYPE; CADASIL 1; CASIL; Cerebral arteriopathy with subcortical infarcts and leukoencephalopathy 1. Identifiers: Orphanet 136, MedGen C4551768, MONDO:0000914, OMIM 125310.
NOTCH3-related disorder. Also called: NOTCH3-related condition; NOTCH3-related disorders.
Lateral meningocele syndrome (LMNS). Also called: NOTCH3-Related Lateral Meningocele Syndrome. Identifiers: Orphanet 2789, MedGen C1851710, MONDO:0007537, OMIM 130720.
Myofibromatosis, infantile, 2. Identifiers: Orphanet 2591, MedGen C3809084, MONDO:0014122, OMIM 615293.

Allele frequency attached by ClinVar (database versions not stated): gnomAD 0.00003; gnomAD exomes 0.00003 and 0.00008; ExAC 0.00004; TOPMed 0.00004; ESP Exome Variant Server 0.00008; 1000 Genomes Project 30x 0.00016; 1000 Genomes Project 0.00020.
gnomAD v4.1: 115 of 1,609,882 alleles (0.0071%); highest among the groups gnomAD compares: Non-Finnish European, 0.0093%; no homozygotes.

Submissions (7):

Labcorp Genetics (formerly Invitae), Labcorp
Classification: Uncertain significance. Last evaluated: 2024-06-12. Review status: criteria provided, single submitter. Criteria: Invitae Variant Classification Sherloc (09022015). Collection method: clinical testing. Allele origin: germline.
Comment: This sequence change affects codon 1638 of the NOTCH3 mRNA. It is a 'silent' change, meaning that it does not change the encoded amino acid sequence of the NOTCH3 protein. This variant is present in population databases (rs149222385, gnomAD 0.004%). This variant has been observed in individual(s) with clinical features of CADASIL (PMID: 24086431, 27881154). This variant is also known as Glu1638Glu. ClinVar contains an entry for this variant (Variation ID: 890786). Algorithms developed to predict the effect of sequence changes on RNA splicing suggest that this variant is not likely to affect RNA splicing. In summary, the available evidence is currently insufficient to determine the role of this variant in disease. Therefore, it has been classified as a Variant of Uncertain Significance.

Women's Health and Genetics/Laboratory Corporation of America, LabCorp
Classification: Uncertain significance. Last evaluated: 2024-02-01. Review status: criteria provided, single submitter. Criteria: LabCorp Variant Classification Summary - May 2015. Collection method: clinical testing. Allele origin: germline.
Comment: Variant summary: NOTCH3 c.4914A>G alters a non-conserved nucleotide resulting in a synonymous change. Consensus agreement among computation tools predict no significant impact on normal splicing. However, these predictions have yet to be confirmed by functional studies. The variant allele was found at a frequency of 2.5e-05 in 239936 control chromosomes. The available data on variant occurrences in the general population are insufficient to allow any conclusion about variant significance. c.4914A>G has been reported in the literature in several individuals with suspicious Cerebral Autosomal Dominant Arteriopathy with Subcortical Infarcts and Leukoencephalopathy, and a familial/personal history of Ischemic Stroke (example, Maksemous_2016, Ross_2013). These report(s) do not provide unequivocal conclusions about association of the variant with NOTCH3-Related Disorders. To our knowledge, no experimental evidence demonstrating an impact on protein function has been reported. The following publications have been ascertained in the context of this evaluation (PMID: 27881154, 24086431). ClinVar contains an entry for this variant (Variation ID: 890786). Based on the evidence outlined above, the variant was classified as uncertain significance.

Blueprint Genetics
Classification: Likely benign. Last evaluated: 2022-12-15. Review status: criteria provided, single submitter. Criteria: ACMG Guidelines, 2015. Collection method: clinical testing. Allele origin: germline.

Fulgent Genetics
Classification: Uncertain significance for Cerebral arteriopathy, autosomal dominant, with subcortical infarcts and leukoencephalopathy, type 1; Lateral meningocele syndrome; Myofibromatosis, infantile, 2. Last evaluated: 2021-08-18. Review status: criteria provided, single submitter. Criteria: ACMG Guidelines, 2015. Collection method: clinical testing. Allele origin: unknown.

Athena Diagnostics
Classification: Uncertain significance. Last evaluated: 2019-12-30. Review status: criteria provided, single submitter. Criteria: Athena Diagnostics Criteria. Collection method: clinical testing. Allele origin: unknown.

Illumina Laboratory Services, Illumina
Classification: Uncertain significance for Cerebral arteriopathy, autosomal dominant, with subcortical infarcts and leukoencephalopathy, type 1. Last evaluated: 2018-01-12. Review status: criteria provided, single submitter. Criteria: ICSL Variant Classification Criteria 13 December 2019. Collection method: clinical testing. Allele origin: germline.

PreventionGenetics, part of Exact Sciences
Classification: Likely benign for NOTCH3-related condition. Last evaluated: 2021-09-17. Review status: no assertion criteria provided. Collection method: clinical testing. Allele origin: germline. Not counted in ClinVar's aggregate classification.
Comment: This variant is classified as likely benign based on ACMG/AMP sequence variant interpretation guidelines (Richards et al. 2015 PMID: 25741868, with internal and published modifications).

Literature cited by the submitters: PubMed 24086431 (cited by 3 submitters); PubMed 27881154 (cited by 3 submitters).